The following is an entry in ClinVar:

NM_024312.5(GNPTAB):c.2198C>A (p.Ser733Ter)

Gene: GNPTAB (N-acetylglucosamine-1-phosphate transferase subunits alpha and beta; minus strand). Cytogenetic location: 12q23.2.
Variant type: single nucleotide variant.
Coding change: c.2198C>A on transcript NM_024312.5 (MANE Select); coding-DNA position 2198, C replaced by A.
Protein change: p.Ser733Ter; replaces serine 733 with a stop codon.
Molecular consequence: nonsense.
Genome position (GRCh38, 1-based): chr12:101,764,719, G>T on the plus strand (C>A on the coding strand, the complement: GNPTAB is on the minus strand). VCF-style: chr12-101764719-G-T. GRCh37 (hg19) VCF-style: chr12-102158497-G-T.
Other names: c.2198C>A (NM_024312.4); short protein forms S733*.
Identifiers: ClinVar variation 983861 (VCV000983861.5), dbSNP rs1953059037, ClinGen allele CA386298779.

ClinVar aggregate classification (germline): Likely pathogenic. Review status: criteria provided, multiple submitters, no conflicts (2 of 4 stars). 2 submissions from 2 submitters: Likely pathogenic (2). Last evaluated 2025-06-23.

Conditions:
Mucolipidosis type II. Also called: Mucolipidosis 2; ML 2; Inclusion cell disease; Leroy Disease; N-acetylglucosamine 1phosphotransferase deficiency; ML disorder type 2. Identifiers: Orphanet 576, MedGen C2673377, MONDO:0009650, OMIM 252500.
GNPTAB-mucolipidosis. Also called: UDP-N-acetylglucosamine-1-phosphotransferase subunit alpha/beta deficiency. Identifiers: MedGen CN322573, MONDO:0100122.

Submissions (2):

Natera, Inc.
Classification: Likely pathogenic for Mucolipidosis type II. Last evaluated: 2025-06-23. Review status: criteria provided, single submitter. Criteria: Natera Variant Classification Schema (03/2026). Collection method: clinical testing. Allele origin: germline.
Comment: The c.2198C>A variant in GNPTAB is a nonsense variant predicted to introduce a stop codon at amino acid 733. This variant is expected to result in nonsense mediated decay, truncation, or a dysfunctional protein product. This variant is rare in the general population with a frequency below the threshold expected for the associated phenotype(s). Given the available evidence, this variant is classified as Likely Pathogenic.

Myriad Genetics, Inc.
Classification: Likely pathogenic for GNPTAB-mucolipidosis. Last evaluated: 2019-10-15. Review status: criteria provided, single submitter. Criteria: Myriad Autosomal Dominant, Autosomal Recessive and X-Linked Classification Criteria (2023). Collection method: clinical testing. Allele origin: unknown.
Comment: NM_024312.4(GNPTAB):c.2198C>A(S733*) is expected to be pathogenic in the context of GNPTAB-related disorders. This variant is predicted to lead to an abnormal or absent protein product due to the creation of a premature termination codon in GNPTAB, a gene where loss-of-function variants are known to be pathogenic. Please note: this variant was assessed in the context of healthy population screening.